The following is an entry in ClinVar:

NM_014141.6(CNTNAP2):c.3476-242T>C

Gene: CNTNAP2 (contactin associated protein 2; plus strand). Cytogenetic location: 7q36.1.
Variant type: single nucleotide variant.
Coding change: c.3476-242T>C on transcript NM_014141.6 (MANE Select); 242 bases into the intron before coding-DNA position 3476, T replaced by C.
Molecular consequence: intron variant.
Genome position (GRCh38, 1-based): chr7:148,383,407, T>C. VCF-style: chr7-148383407-T-C. GRCh37 (hg19) VCF-style: chr7-148080499-T-C.
Identifiers: ClinVar variation 679931 (VCV000679931.1), dbSNP rs1637843, ClinGen allele CA12575325.

ClinVar aggregate classification (germline): Benign (1 of 4 stars; one submission).

Allele frequency attached by ClinVar (database versions not stated): 1000 Genomes Project 30x 0.65568; 1000 Genomes Project 0.65655; gnomAD 0.71262 and 0.71343; TOPMed 0.71447.
gnomAD v4.1: 108,551 of 151,970 alleles (71%); highest among the groups gnomAD compares: Admixed American, 81%; 39,924 homozygotes.

Submission:

GeneDx
Classification: Benign. Last evaluated: 2018-06-14. Review status: criteria provided, single submitter. Criteria: GeneDx Variant Classification (06012015). Collection method: clinical testing. Allele origin: germline. Affected: yes.
Comment: This variant is considered likely benign or benign based on one or more of the following criteria: it is a conservative change, it occurs at a poorly conserved position in the protein, it is predicted to be benign by multiple in silico algorithms, and/or has population frequency not consistent with disease.